The following is an entry in ClinVar:

ClinVar aggregate classification (germline): Pathogenic/Likely pathogenic. Review status: criteria provided, multiple submitters, no conflicts (2 of 4 stars). 4 submissions from 4 submitters: Pathogenic (2); Likely pathogenic (2). Last evaluated 2024-11-05.

Conditions:
Retinitis pigmentosa 25 (RP25). Identifiers: Orphanet 791, MedGen C1864446, MONDO:0011272, OMIM 602772.

Submissions (4):

Labcorp Genetics (formerly Invitae), Labcorp
Classification: Pathogenic. Last evaluated: 2024-11-05. Review status: criteria provided, single submitter. Criteria: Invitae Variant Classification Sherloc (09022015). Collection method: clinical testing. Allele origin: germline.
Comment: This sequence change creates a premature translational stop signal (p.Glu1164*) in the EYS gene. It is expected to result in an absent or disrupted protein product. Loss-of-function variants in EYS are known to be pathogenic (PMID: 18836446, 20333770). This variant is not present in population databases (gnomAD no frequency). This variant has not been reported in the literature in individuals affected with EYS-related conditions. ClinVar contains an entry for this variant (Variation ID: 1393212). For these reasons, this variant has been classified as Pathogenic.

Fulgent Genetics
Classification: Likely pathogenic for Retinitis pigmentosa 25. Last evaluated: 2024-03-21. Review status: criteria provided, single submitter. Criteria: ACMG Guidelines, 2015. Collection method: clinical testing. Allele origin: germline.

3billion
Classification: Pathogenic for Retinitis pigmentosa 25. Last evaluated: 2023-08-09. Review status: criteria provided, single submitter. Criteria: ACMG Guidelines, 2015. Collection method: clinical testing. Allele origin: germline. Affected: yes.
Comment: The variant is not observed in the gnomAD v2.1.1 dataset. Predicted Consequence/Location: Stop-gained (nonsense): predicted to result in a loss or disruption of normal protein function through nonsense-mediated decay (NMD) or protein truncation. Multiple pathogenic variants are reported downstream of the variant. The variant has been reported to be associated with EYS related disorder (ClinVar ID: VCV001393212). Therefore, this variant is classified as Pathogenic according to the recommendation of ACMG/AMP guideline.

Baylor Genetics
Classification: Likely pathogenic for Retinitis pigmentosa 25. Last evaluated: 2022-09-27. Review status: criteria provided, single submitter. Criteria: ACMG Guidelines, 2015. Collection method: clinical testing. Allele origin: unknown.

Literature cited by the submitters: PubMed 18836446 (cited by Labcorp Genetics (formerly Invitae), Labcorp); PubMed 20333770 (cited by Labcorp Genetics (formerly Invitae), Labcorp).

NM_001142800.2(EYS):c.3490G>T (p.Glu1164Ter)

Gene: EYS (EGF-like photoreceptor maintenance factor; minus strand). Cytogenetic location: 6q12.
Variant type: single nucleotide variant.
Coding change: c.3490G>T on transcript NM_001142800.2 (MANE Select); coding-DNA position 3490, G replaced by T.
Protein change: p.Glu1164Ter; replaces glutamic acid 1164 with a stop codon.
Molecular consequence: nonsense.
Genome position (GRCh38, 1-based): chr6:64,626,199, C>A on the plus strand (G>T on the coding strand, the complement: EYS is on the minus strand). VCF-style: chr6-64626199-C-A. GRCh37 (hg19) VCF-style: chr6-65336092-C-A.
Other names: c.3490G>T, p.Glu1164Ter (NM_001292009.2); short protein forms E1164*.
Identifiers: ClinVar variation 1393212 (VCV001393212.9), dbSNP rs2149856835, ClinGen allele CA364785431.